The following is an entry in ClinVar:

NM_001267550.2(TTN):c.30683-61G>A

Gene: TTN (titin; minus strand). Cytogenetic location: 2q31.2.
Variant type: single nucleotide variant.
Coding change: c.30683-61G>A on transcript NM_001267550.2 (MANE Select); 61 bases into the intron before coding-DNA position 30683, G replaced by A.
Molecular consequence: intron variant.
Genome position (GRCh38, 1-based): chr2:178,698,975, C>T on the plus strand (G>A on the coding strand, the complement: TTN is on the minus strand). VCF-style: chr2-178698975-C-T. GRCh37 (hg19) VCF-style: chr2-179563702-C-T.
Other names: c.13282+39107G>A (NM_003319.4); c.13858+39107G>A (NM_133437.4); c.13657+39107G>A (NM_133432.3); c.26951-61G>A (NM_133378.4); c.29732-61G>A (NM_001256850.1).
Identifiers: ClinVar variation 674057 (VCV000674057.2), dbSNP rs116053231, ClinGen allele CA16120091.

ClinVar aggregate classification (germline): Likely benign. Review status: criteria provided, multiple submitters, no conflicts (2 of 4 stars). 2 submissions from 2 submitters: Likely benign (2). Last evaluated 2018-06-19.

Allele frequency attached by ClinVar (database versions not stated): 1000 Genomes Project 0.00938; 1000 Genomes Project 30x 0.00999; TOPMed 0.01536; gnomAD 0.01643 and 0.01651; gnomAD exomes 0.01919.
gnomAD v4.1: 26,550 of 1,411,232 alleles (1.9%); highest among the groups gnomAD compares: Non-Finnish European, 2.1%; 298 homozygotes.

Submissions (2):

GeneDx
Classification: Likely benign. Last evaluated: 2018-06-19. Review status: criteria provided, single submitter. Criteria: GeneDx Variant Classification (06012015). Collection method: clinical testing. Allele origin: germline. Affected: yes.
Comment: This variant is considered likely benign or benign based on one or more of the following criteria: it is a conservative change, it occurs at a poorly conserved position in the protein, it is predicted to be benign by multiple in silico algorithms, and/or has population frequency not consistent with disease.

Breakthrough Genomics
Classification: Likely benign. Review status: criteria provided, single submitter. Criteria: ACMG Guidelines, 2015. Collection method: not provided. Allele origin: germline. Inheritance: Autosomal recessive inheritance. Affected: yes.